The following is an entry in ClinVar:

NM_006412.4(AGPAT2):c.*48T>C

Gene: AGPAT2 (1-acylglycerol-3-phosphate O-acyltransferase 2; minus strand). Cytogenetic location: 9q34.3.
Variant type: single nucleotide variant.
Coding change: c.*48T>C on transcript NM_006412.4 (MANE Select); 48 bases downstream of the stop codon, T replaced by C.
Molecular consequence: 3 prime UTR variant.
Genome position (GRCh38, 1-based): chr9:136,673,704, A>G on the plus strand (T>C on the coding strand, the complement: AGPAT2 is on the minus strand). VCF-style: chr9-136673704-A-G. GRCh37 (hg19) VCF-style: chr9-139568156-A-G.
Other names: c.*48T>C (NM_001012727.2).
Identifiers: ClinVar variation 915048 (VCV000915048.5), dbSNP rs200614462, ClinGen allele CA5342784.

ClinVar aggregate classification (germline): Likely benign. Review status: criteria provided, multiple submitters, no conflicts (2 of 4 stars). 2 submissions from 2 submitters: Likely benign (2). Last evaluated 2018-01-12.

Conditions:
Congenital generalized lipodystrophy type 1 (CGL1). Also called: BRUNZELL SYNDROME, AGPAT2-RELATED; Berardinelli-Seip Congenital Lipodystrophy Type 1. Identifiers: Orphanet 528, Orphanet 696189, MedGen C1720862, MONDO:0012071, OMIM 608594.

Allele frequency attached by ClinVar (database versions not stated): gnomAD exomes 0.00063 and 0.00121; ESP Exome Variant Server 0.00142; gnomAD 0.00199 and 0.00201; 1000 Genomes Project 0.00200; ExAC 0.00204; 1000 Genomes Project 30x 0.00234; TOPMed 0.00250.

Submissions (2):

Illumina Laboratory Services, Illumina
Classification: Likely benign for Congenital generalized lipodystrophy type 1. Last evaluated: 2018-01-12. Review status: criteria provided, single submitter. Criteria: ICSL Variant Classification Criteria 13 December 2019. Collection method: clinical testing. Allele origin: germline.
Comment: This variant was observed in the ICSL laboratory as part of a predisposition screen in an ostensibly healthy population. It had not been previously curated by ICSL or reported in the Human Gene Mutation Database (HGMD: prior to June 1st, 2018), and was therefore a candidate for classification through an automated scoring system. Utilizing variant allele frequency, disease prevalence and penetrance estimates, and inheritance mode, an automated score was calculated to assess if this variant is too frequent to cause the disease. Based on the score and internal cut-off values, a variant classified as likely benign is not then subjected to further curation. The score for this variant resulted in a classification of likely benign for this disease.

Breakthrough Genomics
Classification: Likely benign. Review status: criteria provided, single submitter. Criteria: ACMG Guidelines, 2015. Collection method: not provided. Allele origin: germline. Inheritance: Autosomal recessive inheritance. Affected: yes.